The following is an entry in ClinVar:

NM_000051.4(ATM):c.1578_1579insAA (p.Phe527fs)

Gene: ATM (ATM serine/threonine kinase; plus strand). Cytogenetic location: 11q22.3.
Variant type: Insertion.
Coding change: c.1578_1579insAA on transcript NM_000051.4 (MANE Select); coding-DNA positions 1578 to 1579, AA inserted.
Protein change: p.Phe527fs; shifts the reading frame from phenylalanine 527.
Molecular consequence: frameshift variant.
Genome position: GRCh38 VCF-style: chr11-108251042-T-TAA. GRCh37 (hg19) VCF-style: chr11-108121769-T-TAA.
Other names: c.1578_1579insAA, p.Phe527fs (NM_001351834.2); short protein forms F527fs.
Identifiers: ClinVar variation 2696368 (VCV002696368.3), dbSNP rs2497252994, ClinGen allele CA2697549001.
Genomic context (GRCh38, chr11:108,251,042, plus strand): 5'-GCTTACTTGGAGCCATAATTCAGGGTAGTTTAGTTGAGGTTGACAGAGAATTCTGGAAGT[T>TAA]ATTTACTGGGTCAGCCTGCAGACCTTCATGGTAAGTTCAGCATGCATTATGTCTGACTTA-3'

ClinVar aggregate classification (germline): Pathogenic (1 of 4 stars; one submission).

Conditions:
Ataxia-telangiectasia syndrome (AT). Also called: Cerebello-oculocutaneous telangiectasia; Immunodeficiency with ataxia telangiectasia; Ataxia-telangiectasia, complementation group E; LOUIS-BAR SYNDROME; Ataxia telangiectasia (A-T); AT, COMPLEMENTATION GROUP C. Identifiers: Orphanet 100, MedGen C0004135, MONDO:0008840, OMIM 208900.

Submission:

Labcorp Genetics (formerly Invitae), Labcorp
Classification: Pathogenic for Ataxia-telangiectasia syndrome. Last evaluated: 2024-07-08. Review status: criteria provided, single submitter. Criteria: Invitae Variant Classification Sherloc (09022015). Collection method: clinical testing. Allele origin: germline.
Comment: This sequence change creates a premature translational stop signal (p.Phe527Asnfs*17) in the ATM gene. It is expected to result in an absent or disrupted protein product. Loss-of-function variants in ATM are known to be pathogenic (PMID: 23807571, 25614872). This variant is not present in population databases (gnomAD no frequency). This variant has not been reported in the literature in individuals affected with ATM-related conditions. For these reasons, this variant has been classified as Pathogenic.

Literature cited by the submitters: PubMed 23807571; PubMed 25614872.